The following is an entry in ClinVar:

NM_004667.6(HERC2):c.9727G>A (p.Val3243Met)

Gene: HERC2 (HECT and RLD domain containing E3 ubiquitin protein ligase 2; minus strand). Cytogenetic location: 15q13.1.
Variant type: single nucleotide variant.
Coding change: c.9727G>A on transcript NM_004667.6 (MANE Select); coding-DNA position 9727, G replaced by A.
Protein change: p.Val3243Met; replaces valine 3243 with methionine.
Molecular consequence: missense variant.
Genome position (GRCh38, 1-based): chr15:28,175,616, C>T on the plus strand (G>A on the coding strand, the complement: HERC2 is on the minus strand). VCF-style: chr15-28175616-C-T. GRCh37 (hg19) VCF-style: chr15-28420762-C-T.
Other names: short protein forms V3243M.
Identifiers: ClinVar variation 1710871 (VCV001710871.2), dbSNP rs771009826, ClinGen allele CA7441077.
Genomic context (GRCh38, chr15:28,175,616, plus strand): 5'-CCACATGCACGATCTTCTTCCCTCTCAGCCCTTCCACCACCTGTGGTTTCCGCACGTGCA[C>T]GTCAGAGCCGTGGCCCAATCTGAAGTAATCCCCCTTTCCCCTGAGAGAAGGCCCATGGTG-3'
Protein context (NP_004658.3, residues 3233-3253): DYFRLGHGSD[Val3243Met]HVRKPQVVEG

ClinVar aggregate classification (germline): Uncertain significance (1 of 4 stars; one submission).

Allele frequency attached by ClinVar (database versions not stated): gnomAD 0.00001; gnomAD exomes 0.00001; TOPMed 0.00001; ExAC 0.00002.
gnomAD v4.1: 9 of 1,614,022 alleles (0.00056%); highest among the groups gnomAD compares: Admixed American, 0.012%; no homozygotes.

Submission:

GeneDx
Classification: Uncertain significance. Last evaluated: 2022-04-15. Review status: criteria provided, single submitter. Criteria: GeneDx Variant Classification Process June 2021. Collection method: clinical testing. Allele origin: germline. Affected: yes.
Comment: In silico analysis supports that this missense variant does not alter protein structure/function; Has not been previously published as pathogenic or benign to our knowledge